The following is an entry in ClinVar:

NM_001875.5(CPS1):c.773G>C (p.Gly258Ala)

Gene: CPS1 (carbamoyl-phosphate synthase 1; plus strand). Cytogenetic location: 2q34.
Variant type: single nucleotide variant.
Coding change: c.773G>C on transcript NM_001875.5 (MANE Select); coding-DNA position 773, G replaced by C.
Protein change: p.Gly258Ala; replaces glycine 258 with alanine.
Molecular consequence: missense variant. On other transcripts: non-coding transcript variant (1).
Genome position (GRCh38, 1-based): chr2:210,590,167, G>C. VCF-style: chr2-210590167-G-C. GRCh37 (hg19) VCF-style: chr2-211454891-G-C.
Other names: c.773G>C, p.Gly258Ala (NM_001122633.3, NM_001369257.1); c.806G>C, p.Gly269Ala (NM_001369256.1); short protein forms G258A, G269A.
Identifiers: ClinVar variation 850253 (VCV000850253.8), dbSNP rs778299777, ClinGen allele CA2086138.

ClinVar aggregate classification (germline): Uncertain significance. Review status: criteria provided, single submitter (1 of 4 stars). 2 submissions from 2 submitters: Uncertain significance (1). 1 of the submissions does not count toward it. Last evaluated 2021-08-28.

Conditions:
Congenital hyperammonemia, type I. Also called: Carbamoyl phosphate synthetase I deficiency disease; CPS I DEFICIENCY; Carbamoyl-phosphate synthase I deficiency; Carbamoyl phosphate synthetase 1 deficiency; Hyperammonemia due to carbamoyl phosphate synthetase 1 deficiency; CPS 1 deficiency. Identifiers: Orphanet 147, MedGen C4082171, MONDO:0009376, OMIM 237300.

Allele frequency attached by ClinVar (database versions not stated): gnomAD exomes below 0.00001; ExAC 0.00001.

Submissions (2):

Labcorp Genetics (formerly Invitae), Labcorp
Classification: Uncertain significance for Congenital hyperammonemia, type I. Last evaluated: 2021-08-28. Review status: criteria provided, single submitter. Criteria: Invitae Variant Classification Sherloc (09022015). Collection method: clinical testing. Allele origin: germline.
Comment: This sequence change replaces glycine with alanine at codon 258 of the CPS1 protein (p.Gly258Ala). The glycine residue is moderately conserved and there is a small physicochemical difference between glycine and alanine. This variant is present in population databases (rs778299777, ExAC 0.01%). This variant has not been reported in the literature in individuals affected with CPS1-related conditions. Algorithms developed to predict the effect of missense changes on protein structure and function are either unavailable or do not agree on the potential impact of this missense change (SIFT: "Deleterious"; PolyPhen-2: "Probably Damaging"; Align-GVGD: "Class C0"). In summary, the available evidence is currently insufficient to determine the role of this variant in disease. Therefore, it has been classified as a Variant of Uncertain Significance.

Natera, Inc.
Classification: Uncertain significance for Carbamoyl-phosphate synthase I deficiency. Last evaluated: 2020-02-13. Review status: no assertion criteria provided. Collection method: clinical testing. Allele origin: germline. Not counted in ClinVar's aggregate classification.